The following is an entry in ClinVar:

ClinVar aggregate classification (germline): Benign/Likely benign. Review status: criteria provided, multiple submitters, no conflicts (2 of 4 stars). 4 submissions from 4 submitters: Benign (1); Likely benign (3). Last evaluated 2025-12-13.

Conditions:
Familial cancer of breast. Also called: Hereditary breast cancer; hereditary breast carcinoma; BREAST CANCER, FAMILIAL. Identifiers: Orphanet 227535, MedGen C0346153, MONDO:0016419, OMIM 114480. Disease mechanism: loss of function.
Hereditary cancer-predisposing syndrome. Also called: Neoplastic Syndromes, Hereditary; Tumor predisposition; Hereditary Cancer Syndrome; Hereditary neoplastic syndrome. Identifiers: Orphanet 140162, MedGen C0027672, MeSH D009386, MONDO:0015356.
Ataxia-telangiectasia syndrome (AT). Also called: Ataxia telangiectasia (A-T); ATAXIA-TELANGIECTASIA, COMPLEMENTATION GROUP A; ATAXIA-TELANGIECTASIA, FRESNO VARIANT; Ataxia-telangiectasia; Ataxia-telangiectasia, complementation group E; LOUIS-BAR SYNDROME. Identifiers: Orphanet 100, MedGen C0004135, MONDO:0008840, OMIM 208900.

Allele frequency attached by ClinVar (database versions not stated): gnomAD exomes 0.00001; TOPMed 0.00001.
gnomAD v4.1: 4 of 1,614,160 alleles (0.00025%); highest among the groups gnomAD compares: Non-Finnish European, 0.00034%; no homozygotes.

Submissions (4):

Labcorp Genetics (formerly Invitae), Labcorp
Classification: Likely benign for Ataxia-telangiectasia syndrome. Last evaluated: 2025-12-13. Review status: criteria provided, single submitter. Criteria: Invitae Variant Classification Sherloc (09022015). Collection method: clinical testing. Allele origin: germline.

Center for Genomic Medicine, Rigshospitalet, Copenhagen University Hospital
Classification: Likely benign. Last evaluated: 2025-03-04. Review status: criteria provided, single submitter. Criteria: ACMG Guidelines, 2015. Collection method: clinical testing. Allele origin: germline.

Myriad Genetics, Inc.
Classification: Benign for Familial cancer of breast. Last evaluated: 2024-06-24. Review status: criteria provided, single submitter. Criteria: Myriad Autosomal Dominant, Autosomal Recessive and X-Linked Classification Criteria (2023). Collection method: clinical testing. Allele origin: unknown.
Comment: This variant is considered benign. This variant is a silent/synonymous amino acid change and it is not expected to impact splicing.

Ambry Genetics
Classification: Likely benign for Hereditary cancer-predisposing syndrome. Last evaluated: 2015-11-27. Review status: criteria provided, single submitter. Criteria: Ambry Variant Classification Scheme 2023. Collection method: clinical testing. Allele origin: germline.

NM_000051.4(ATM):c.9078C>T (p.Leu3026=)

Genes: ATM (ATM serine/threonine kinase; plus strand), C11orf65 (chromosome 11 open reading frame 65; minus strand). Cytogenetic location: 11q22.3.
Variant type: single nucleotide variant.
Coding change: c.9078C>T on transcript NM_000051.4 (MANE Select); coding-DNA position 9078, C replaced by T.
Protein change: p.Leu3026=; no amino-acid change (leucine 3026 retained).
Molecular consequence: synonymous variant. On other transcripts: intron variant (2).
Genome position (GRCh38, 1-based): chr11:108,365,415, C>T. VCF-style: chr11-108365415-C-T. GRCh37 (hg19) VCF-style: chr11-108236142-C-T.
Other names: c.9078C>T, p.Leu3026= (NM_001351834.2); c.640+20505G>A (NM_001330368.2); c.694+20505G>A (NM_001351110.2).
Identifiers: ClinVar variation 1157602 (VCV001157602.14), dbSNP rs901284125, ClinGen allele CA228384025.